The following is an entry in ClinVar:

NM_005220.3(DLX3):c.682C>T (p.Arg228Cys)

Gene: DLX3 (distal-less homeobox 3; minus strand). Cytogenetic location: 17q21.33.
Variant type: single nucleotide variant.
Coding change: c.682C>T on transcript NM_005220.3 (MANE Select); coding-DNA position 682, C replaced by T.
Protein change: p.Arg228Cys; replaces arginine 228 with cysteine.
Molecular consequence: missense variant.
Genome position (GRCh38, 1-based): chr17:49,991,699, G>A on the plus strand (C>T on the coding strand, the complement: DLX3 is on the minus strand). VCF-style: chr17-49991699-G-A. GRCh37 (hg19) VCF-style: chr17-48069063-G-A.
Other names: c.682C>T (NM_005220.2); short protein forms R228C.
Identifiers: ClinVar variation 1464098 (VCV001464098.10), dbSNP rs373291908, ClinGen allele CA8640966.

ClinVar aggregate classification (germline): Uncertain significance. Review status: criteria provided, multiple submitters, no conflicts (2 of 4 stars). 2 submissions from 2 submitters: Uncertain significance (2). Last evaluated 2025-11-06.

Conditions:
Inborn genetic diseases. Identifiers: MedGen C0950123, MeSH D030342.

Allele frequency attached by ClinVar (database versions not stated): gnomAD exomes 0.00002; ExAC 0.00003; gnomAD 0.00005 and 0.00006; TOPMed 0.00006; ESP Exome Variant Server 0.00008.
gnomAD v4.1: 25 of 1,613,494 alleles (0.0015%); highest among the groups gnomAD compares: Admixed American, 0.012%; no homozygotes.

Submissions (2):

Ambry Genetics
Classification: Uncertain significance for Inborn genetic diseases. Last evaluated: 2025-11-06. Review status: criteria provided, single submitter. Criteria: Ambry Variant Classification Scheme 2023. Collection method: clinical testing. Allele origin: germline.

Labcorp Genetics (formerly Invitae), Labcorp
Classification: Uncertain significance. Last evaluated: 2025-06-25. Review status: criteria provided, single submitter. Criteria: Invitae Variant Classification Sherloc (09022015). Collection method: clinical testing. Allele origin: germline.
Comment: This sequence change replaces arginine, which is basic and polar, with cysteine, which is neutral and slightly polar, at codon 228 of the DLX3 protein (p.Arg228Cys). This variant is present in population databases (rs373291908, gnomAD 0.004%). This variant has not been reported in the literature in individuals affected with DLX3-related conditions. ClinVar contains an entry for this variant (Variation ID: 1464098). Invitae Evidence Modeling of protein sequence and biophysical properties (such as structural, functional, and spatial information, amino acid conservation, physicochemical variation, residue mobility, and thermodynamic stability) indicates that this missense variant is not expected to disrupt DLX3 protein function with a negative predictive value of 80%. In summary, the available evidence is currently insufficient to determine the role of this variant in disease. Therefore, it has been classified as a Variant of Uncertain Significance.